The following continues an entry in ClinVar:

NM_000277.3(PAH):c.441+5G>T

Gene: PAH. ClinVar aggregate classification (germline): Pathogenic. Pathogenic (1).

Submissions 15 to 21 of 21:

Women's Health and Genetics/Laboratory Corporation of America, LabCorp
Classification: Pathogenic for Phenylketonuria. Last evaluated: 2016-09-29. Review status: criteria provided, single submitter. Criteria: LabCorp Variant Classification Summary - May 2015. Collection method: clinical testing. Allele origin: germline. Not counted in ClinVar's aggregate classification.
Comment: Variant summary: The PAH c.441+5G>T variant involves the alteration of a conserved intronic nucleotide with 4/5 splice prediction tools predicting a significant impact on normal splicing. The variant of interest was observed in the large, broad control population, ExAC, with an allele frequency of 5/121412 (1/24271), which does not exceed the estimated maximal expected allele frequency for a pathogenic PAH variant of 1/126 (0.0079057). Multiple publications cite the variant in affected individuals who are homozygous and compound heterozygous, along with multiple databases/clinical diagnostic laboratories citing the variant as "pathogenic." Therefore, the variant of interest has been classified as Pathogenic.

Eurofins Ntd Llc (ga)
Classification: Pathogenic. Last evaluated: 2014-07-22. Review status: criteria provided, single submitter. Criteria: EGL Classification Definitions 2015. Collection method: clinical testing. Allele origin: germline. Observed: 5 variant alleles, 3 heterozygotes, 2 homozygotes. Not counted in ClinVar's aggregate classification.

Clinical Genetics Service, Universitary Hospital 12 de Octubre
Classification: Pathogenic for Phenylketonuria. Review status: criteria provided, single submitter. Criteria: ACMG Guidelines, 2015. Collection method: clinical testing. Allele origin: germline. Affected: yes. Not counted in ClinVar's aggregate classification.

Kariminejad - Najmabadi Pathology & Genetics Center
Classification: Pathogenic for Phenylketonuria. Review status: criteria provided, single submitter. Criteria: ACMG Guidelines, 2015. Collection method: clinical testing. Allele origin: germline. Affected: no. Not counted in ClinVar's aggregate classification.

PreventionGenetics, part of Exact Sciences
Classification: Pathogenic for PAH-related condition. Last evaluated: 2024-06-25. Review status: no assertion criteria provided. Collection method: clinical testing. Allele origin: germline. Not counted in ClinVar's aggregate classification.
Comment: The PAH c.441+5G>T variant is predicted to interfere with splicing. This variant, which lies near the junction of exon 4 and intron 4 and is predicted to disrupt splicing, has been reported as causative in either the homozygous or compound heterozygous state for phenylalanine hydroxylase deficiency (see for example Zekanowski et al. 1997. PubMed ID: 9429153; Bueno et al. 2013. PubMed ID: 23514811; Trunzo et al. 2013. PubMed ID: 24296287; Table S3 in Hillert et al. 2020. PubMed ID: 32668217). Other variants within the same splice site region (e.g., c.441+1G>A,c.441+2T>G, c.441+3G>C, c.441+6T>A) have been reported with a second PAH variant in individuals with phenylalanine hydroxylase deficiency (see for example Table S3 in Hillert et al. 2020. PubMed ID: 32668217). This variant is reported in 0.011% of alleles in individuals of Latino descent in gnomAD. This variant has been classified as pathogenic by the ClinGen PAH Variant Curation Expert Panel as well as multiple other submitters to ClinVar. Taken together, this variant is interpreted as pathogenic.

Counsyl
Classification: Pathogenic for Phenylketonuria. Last evaluated: 2017-05-30. Review status: no assertion criteria provided. Collection method: clinical testing. Allele origin: unknown. Not counted in ClinVar's aggregate classification.

DeBelle Laboratory for Biochemical Genetics, MUHC/MCH RESEARCH INSTITUTE
No classification provided. Review status: no classification provided. Collection method: not provided. Allele origin: not provided. Not counted in ClinVar's aggregate classification.

Literature cited by the submitters: PubMed 23514811 (cited by 5 submitters); PubMed 17935162 (cited by ClinGen PAH Variant Curation Expert Panel and Mayo Clinic Laboratories, Mayo Clinic); PubMed 31355225 (cited by Department of Molecular Genetics, Istishari Arab Hospital); PubMed 24296287 (cited by 3 submitters); PubMed 28676969 (cited by Department of Molecular Genetics, Istishari Arab Hospital); PubMed 9429153 (cited by 4 submitters); PubMed 34426522 (cited by Department of Molecular Genetics, Istishari Arab Hospital); PubMed 31589614 (cited by Department of Molecular Genetics, Istishari Arab Hospital); PubMed 33101986 (cited by Department of Molecular Genetics, Istishari Arab Hospital); PubMed 32778825 (cited by Department of Molecular Genetics, Istishari Arab Hospital); PubMed 33465300 (cited by Department of Molecular Genetics, Istishari Arab Hospital); PubMed 33375644 (cited by Department of Molecular Genetics, Istishari Arab Hospital); PubMed 24941924 (cited by 3 submitters); PubMed 25087612 (cited by Department of Molecular Genetics, Istishari Arab Hospital); PubMed 26481238 (cited by Department of Molecular Genetics, Istishari Arab Hospital); PubMed 27121329 (cited by Department of Molecular Genetics, Istishari Arab Hospital and Counsyl); PubMed 26666653 (cited by 3 submitters); PubMed 17502162 (cited by Labcorp Genetics (formerly Invitae), Labcorp); PubMed 23764561 (cited by Labcorp Genetics (formerly Invitae), Labcorp); PubMed 24368688 (cited by Labcorp Genetics (formerly Invitae), Labcorp and Women's Health and Genetics/Laboratory Corporation of America, LabCorp); PubMed 25596310 (cited by Labcorp Genetics (formerly Invitae), Labcorp); PubMed 17576681 (cited by Labcorp Genetics (formerly Invitae), Labcorp); PubMed 9536098 (cited by Labcorp Genetics (formerly Invitae), Labcorp); PubMed 21147011 (cited by Women's Health and Genetics/Laboratory Corporation of America, LabCorp and Counsyl); PubMed 18299955 (cited by Counsyl).